The following is an entry in ClinVar:

NM_002519.3(NPAT):c.787C>A (p.Leu263Ile)

Gene: NPAT (nuclear protein, coactivator of histone transcription; minus strand). Cytogenetic location: 11q22.3.
Variant type: single nucleotide variant.
Coding change: c.787C>A on transcript NM_002519.3 (MANE Select); coding-DNA position 787, C replaced by A.
Protein change: p.Leu263Ile; replaces leucine 263 with isoleucine.
Molecular consequence: missense variant.
Genome position (GRCh38, 1-based): chr11:108,185,434, G>T on the plus strand (C>A on the coding strand, the complement: NPAT is on the minus strand). VCF-style: chr11-108185434-G-T. GRCh37 (hg19) VCF-style: chr11-108056161-G-T.
Other names: c.787C>A, p.Leu263Ile (NM_001321307.1); short protein forms L263I.
Identifiers: ClinVar variation 3222644 (VCV003222644.1), dbSNP rs1591399162, ClinGen allele CA382520830.

ClinVar aggregate classification (germline): Uncertain significance (1 of 4 stars; one submission).

Submission:

Ambry Genetics
Classification: Uncertain significance. Last evaluated: 2024-01-09. Review status: criteria provided, single submitter. Criteria: Ambry Variant Classification Scheme 2023. Collection method: clinical testing. Allele origin: germline.
Comment: The p.L263I variant (also known as c.787C>A), located in coding exon 9 of the NPAT gene, results from a C to A substitution at nucleotide position 787. The leucine at codon 263 is replaced by isoleucine, an amino acid with highly similar properties. This amino acid position is conserved. In addition, this alteration is predicted to be tolerated by in silico analysis. Since supporting evidence is limited at this time, the clinical significance of this alteration remains unclear.